The following is an entry in ClinVar:

NM_003467.3(CXCR4):c.752G>C (p.Cys251Ser)

Gene: CXCR4 (C-X-C motif chemokine receptor 4; minus strand). Cytogenetic location: 2q22.1.
Variant type: single nucleotide variant.
Coding change: c.752G>C on transcript NM_003467.3 (MANE Select); coding-DNA position 752, G replaced by C.
Protein change: p.Cys251Ser; replaces cysteine 251 with serine.
Molecular consequence: missense variant.
Genome position (GRCh38, 1-based): chr2:136,115,176, C>G on the plus strand (G>C on the coding strand, the complement: CXCR4 is on the minus strand). VCF-style: chr2-136115176-C-G. GRCh37 (hg19) VCF-style: chr2-136872746-C-G.
Other names: c.764G>C, p.Cys255Ser (NM_001008540.2); c.965G>C, p.Cys322Ser (NM_001348056.2); c.851G>C, p.Cys284Ser (NM_001348059.2); c.707G>C, p.Cys236Ser (NM_001348060.2); short protein forms C236S, C251S, C255S, C284S, C322S.
Identifiers: ClinVar variation 1700835 (VCV001700835.2), dbSNP rs2104916053, ClinGen allele CA348658057.

ClinVar aggregate classification (germline): Uncertain significance (1 of 4 stars; one submission).

Submission:

GeneDx
Classification: Uncertain significance. Last evaluated: 2022-02-07. Review status: criteria provided, single submitter. Criteria: GeneDx Variant Classification Process June 2021. Collection method: clinical testing. Allele origin: germline. Affected: yes.
Comment: Not observed at significant frequency in large population cohorts (gnomAD); In silico analysis supports that this missense variant has a deleterious effect on protein structure/function; Has not been previously published as pathogenic or benign to our knowledge